The following is an entry in ClinVar:

ClinVar aggregate classification (germline): Uncertain significance. Review status: criteria provided, multiple submitters, no conflicts (2 of 4 stars). 4 submissions from 4 submitters: Uncertain significance (4). Last evaluated 2024-04-22.

Conditions:
Inborn genetic diseases. Identifiers: MedGen C0950123, MeSH D030342.
Leukoencephalopathy with brain stem and spinal cord involvement-high lactate syndrome (LBSL). Also called: Leukoencephalopathy with Brainstem and Spinal Cord Involvement and Lactate Elevation; MITOCHONDRIAL ASPARTYL-tRNA SYNTHETASE DEFICIENCY; LEUKOENCEPHALOPATHY WITH BRAINSTEM AND SPINAL CORD INVOLVEMENT AND LACTATE ELEVATION, MILD. Identifiers: Orphanet 137898, MedGen C1970180, MONDO:0012622, OMIM 611105.

Allele frequency attached by ClinVar (database versions not stated): gnomAD 0.00001; TOPMed 0.00002.
gnomAD v4.1: 2 of 1,613,990 alleles (0.00012%); highest among the groups gnomAD compares: Non-Finnish European, 0.000085%; no homozygotes.

Submissions (4):

Labcorp Genetics (formerly Invitae), Labcorp
Classification: Uncertain significance. Last evaluated: 2024-04-22. Review status: criteria provided, single submitter. Criteria: Invitae Variant Classification Sherloc (09022015). Collection method: clinical testing. Allele origin: germline.
Comment: This sequence change replaces leucine, which is neutral and non-polar, with valine, which is neutral and non-polar, at codon 204 of the DARS2 protein (p.Leu204Val). This variant is not present in population databases (gnomAD no frequency). This missense change has been observed in individuals with clinical features of DARS2-related leukoencephalopathy (Invitae). ClinVar contains an entry for this variant (Variation ID: 801579). Advanced modeling of protein sequence and biophysical properties (such as structural, functional, and spatial information, amino acid conservation, physicochemical variation, residue mobility, and thermodynamic stability) has been performed at Invitae for this missense variant, however the output from this modeling did not meet the statistical confidence thresholds required to predict the impact of this variant on DARS2 protein function. In summary, the available evidence is currently insufficient to determine the role of this variant in disease. Therefore, it has been classified as a Variant of Uncertain Significance.

Genome-Nilou Lab
Classification: Uncertain significance for Leukoencephalopathy with brain stem and spinal cord involvement-high lactate syndrome. Last evaluated: 2023-04-11. Review status: criteria provided, single submitter. Criteria: ACMG Guidelines, 2015. Collection method: clinical testing. Allele origin: germline. Affected: no.

Ambry Genetics
Classification: Uncertain significance for Inborn genetic diseases. Last evaluated: 2022-05-01. Review status: criteria provided, single submitter. Criteria: Ambry Variant Classification Scheme 2023. Collection method: clinical testing. Allele origin: germline.

Mendelics
Classification: Uncertain significance for Leukoencephalopathy with brain stem and spinal cord involvement-high lactate syndrome. Last evaluated: 2019-05-28. Review status: criteria provided, single submitter. Criteria: Mendelics Assertion Criteria 2017. Collection method: clinical testing. Allele origin: unknown.

NM_018122.5(DARS2):c.610C>G (p.Leu204Val)

Gene: DARS2 (aspartyl-tRNA synthetase 2, mitochondrial; plus strand). Cytogenetic location: 1q25.1.
Variant type: single nucleotide variant.
Coding change: c.610C>G on transcript NM_018122.5 (MANE Select); coding-DNA position 610, C replaced by G.
Protein change: p.Leu204Val; replaces leucine 204 with valine.
Molecular consequence: missense variant.
Genome position (GRCh38, 1-based): chr1:173,833,493, C>G. VCF-style: chr1-173833493-C-G. GRCh37 (hg19) VCF-style: chr1-173802631-C-G.
Other names: c.610C>G, p.Leu204Val (NM_001365212.1, NM_001365213.2); c.610C>G (NM_018122.4); short protein forms L204V.
Identifiers: ClinVar variation 801579 (VCV000801579.8), dbSNP rs1020907363, ClinGen allele CA32768852.